The following is an entry in ClinVar:

ClinVar aggregate classification (germline): Uncertain significance (1 of 4 stars; one submission).

Submission:

Women's Health and Genetics/Laboratory Corporation of America, LabCorp
Classification: Uncertain significance. Last evaluated: 2019-03-04. Review status: criteria provided, single submitter. Criteria: LabCorp Variant Classification Summary - May 2015. Collection method: clinical testing. Allele origin: germline.
Comment: Variant summary: FBN1 c.4550T>C (p.Phe1517Ser) results in a non-conservative amino acid change located in the EGF-like calcium-binding domain of the encoded protein sequence. Five of five in-silico tools predict a damaging effect of the variant on protein function. The variant was absent in 245896 control chromosomes (gnomAD). The available data on variant occurrences in the general population are insufficient to allow any conclusion about variant significance. To our knowledge, no occurrence of c.4550T>C in individuals affected with Marfan Syndrome and no experimental evidence demonstrating its impact on protein function have been reported. No clinical diagnostic laboratories have submitted clinical-significance assessments for this variant to ClinVar after 2014. Based on the evidence outlined above, the variant was classified as uncertain significance.

NM_000138.5(FBN1):c.4550T>C (p.Phe1517Ser)

Gene: FBN1 (fibrillin 1; minus strand). Cytogenetic location: 15q21.1.
Variant type: single nucleotide variant.
Coding change: c.4550T>C on transcript NM_000138.5 (MANE Select); coding-DNA position 4550, T replaced by C.
Protein change: p.Phe1517Ser; replaces phenylalanine 1517 with serine.
Molecular consequence: missense variant.
Genome position (GRCh38, 1-based): chr15:48,468,444, A>G on the plus strand (T>C on the coding strand, the complement: FBN1 is on the minus strand). VCF-style: chr15-48468444-A-G. GRCh37 (hg19) VCF-style: chr15-48760641-A-G.
Other names: short protein forms F1517S.
Identifiers: ClinVar variation 929135 (VCV000929135.1), dbSNP rs2043340822, ClinGen allele CA392353429.